The following is an entry in ClinVar:

NM_002907.4(RECQL):c.144G>T (p.Gln48His)

Gene: RECQL (RecQ like helicase; minus strand). Cytogenetic location: 12p12.1.
Variant type: single nucleotide variant.
Coding change: c.144G>T on transcript NM_002907.4 (MANE Select); coding-DNA position 144, G replaced by T.
Protein change: p.Gln48His; replaces glutamine 48 with histidine.
Molecular consequence: missense variant.
Genome position (GRCh38, 1-based): chr12:21,491,589, C>A on the plus strand (G>T on the coding strand, the complement: RECQL is on the minus strand). VCF-style: chr12-21491589-C-A. GRCh37 (hg19) VCF-style: chr12-21644523-C-A.
Other names: c.144G>T, p.Gln48His (NM_032941.3); short protein forms Q48H.
Identifiers: ClinVar variation 2450978 (VCV002450978.2), dbSNP rs2540404921, ClinGen allele CA384134415.
Genomic context (GRCh38, chr12:21,491,589, plus strand): 5'-CCAAGCGGCAGGTGAAGAATCATATTCATTGCTTGCCCCGGCATCAGAATCCTCTAAACA[C>A]TGCTTTATTTTCTTTGTCAGGACTTTTTTTTTCTGAATAAGCTCTTGTTGCCTTTCCGTA-3'
Protein context (NP_002898.2, residues 38-58): KKKVLTKKIK[Gln48His]CLEDSDAGAS

ClinVar aggregate classification (germline): Uncertain significance (1 of 4 stars; one submission).

Submission:

Ambry Genetics
Classification: Uncertain significance. Last evaluated: 2023-01-11. Review status: criteria provided, single submitter. Criteria: Ambry Variant Classification Scheme 2023. Collection method: clinical testing. Allele origin: germline.
Comment: The p.Q48H variant (also known as c.144G>T), located in coding exon 2 of the RECQL gene, results from a G to T substitution at nucleotide position 144. The glutamine at codon 48 is replaced by histidine, an amino acid with highly similar properties. This amino acid position is conserved. In addition, this alteration is predicted to be tolerated by in silico analysis. Since supporting evidence is limited at this time, the clinical significance of this alteration remains unclear.